The following is an entry in ClinVar:

NM_139076.3(ABRAXAS1):c.571T>C (p.Phe191Leu)

Gene: ABRAXAS1 (abraxas 1, BRCA1 A complex subunit; minus strand). Cytogenetic location: 4q21.23.
Variant type: single nucleotide variant.
Coding change: c.571T>C on transcript NM_139076.3 (MANE Select); coding-DNA position 571, T replaced by C.
Protein change: p.Phe191Leu; replaces phenylalanine 191 with leucine.
Molecular consequence: missense variant.
Genome position (GRCh38, 1-based): chr4:83,469,057, A>G on the plus strand (T>C on the coding strand, the complement: ABRAXAS1 is on the minus strand). VCF-style: chr4-83469057-A-G. GRCh37 (hg19) VCF-style: chr4-84390210-A-G.
Other names: c.244T>C, p.Phe82Leu (NM_001345962.2); short protein forms F191L, F82L.
Identifiers: ClinVar variation 5029025 (VCV005029025.1).

ClinVar aggregate classification (germline): Uncertain significance (1 of 4 stars; one submission).

Submission:

Ambry Genetics
Classification: Uncertain significance. Last evaluated: 2026-08-01. Review status: criteria provided, single submitter. Criteria: Ambry Variant Classification Scheme 2023. Collection method: clinical testing. Allele origin: germline.
Comment: The p.F191L variant (also known as c.571T>C), located in coding exon 6 of the FAM175A gene, results from a T to C substitution at nucleotide position 571. The phenylalanine at codon 191 is replaced by leucine, an amino acid with highly similar properties. This amino acid position is conserved. In addition, this alteration is predicted to be tolerated by in silico analysis. Based on the available evidence, the clinical significance of this variant remains unclear.